The following is an entry in ClinVar:

ClinVar aggregate classification (germline): Uncertain significance (1 of 4 stars; one submission).

Conditions:
Short-rib thoracic dysplasia 13 with or without polydactyly (SRTD13). Identifiers: Orphanet 474, MedGen C4225378, MONDO:0014577, OMIM 616300.

Allele frequency attached by ClinVar (database versions not stated): ESP Exome Variant Server 0.00008.
gnomAD v4.1: 4 of 1,592,544 alleles (0.00025%); highest among the groups gnomAD compares: Non-Finnish European, 0.00034%; no homozygotes.

Submission:

Labcorp Genetics (formerly Invitae), Labcorp
Classification: Uncertain significance for Short-rib thoracic dysplasia 13 with or without polydactyly. Last evaluated: 2018-04-09. Review status: criteria provided, single submitter. Criteria: Invitae Variant Classification Sherloc (09022015). Collection method: clinical testing. Allele origin: germline.
Comment: Algorithms developed to predict the effect of sequence changes on RNA splicing suggest that this variant may create or strengthen a splice site, but this prediction has not been confirmed by published transcriptional studies. In summary, the available evidence is currently insufficient to determine the role of this variant in disease. Therefore, it has been classified as a Variant of Uncertain Significance. Algorithms developed to predict the effect of missense changes on protein structure and function do not agree on the potential impact of this missense change (SIFT: "Deleterious"; PolyPhen-2: "Benign"; Align-GVGD: "Class C25"). This variant has not been reported in the literature in individuals with CEP120-related disease. This variant is not present in population databases (ExAC no frequency). This sequence change replaces arginine with glycine at codon 611 of the CEP120 protein (p.Arg611Gly). The arginine residue is highly conserved and there is a moderate physicochemical difference between arginine and glycine.

NM_001375405.1(CEP120):c.1831C>G (p.Arg611Gly)

Gene: CEP120 (centrosomal protein 120; minus strand). Cytogenetic location: 5q23.2.
Variant type: single nucleotide variant.
Coding change: c.1831C>G on transcript NM_001375405.1 (MANE Select); coding-DNA position 1831, C replaced by G.
Protein change: p.Arg611Gly; replaces arginine 611 with glycine.
Molecular consequence: missense variant. On other transcripts: non-coding transcript variant (1).
Genome position (GRCh38, 1-based): chr5:123,383,015, G>C on the plus strand (C>G on the coding strand, the complement: CEP120 is on the minus strand). VCF-style: chr5-123383015-G-C. GRCh37 (hg19) VCF-style: chr5-122718709-G-C.
Other names: c.1753C>G, p.Arg585Gly (NM_001166226.2); c.1696C>G, p.Arg566Gly (NM_001375406.1); c.1831C>G, p.Arg611Gly (NM_001375407.1, NM_153223.4); c.1258C>G, p.Arg420Gly (NM_001375408.1, NM_001375409.1); short protein forms R611G, R585G, R420G, R566G.
Identifiers: ClinVar variation 572777 (VCV000572777.8), dbSNP rs150132498, ClinGen allele CA126015065.